The following is an entry in ClinVar:

ClinVar aggregate classification (germline): Uncertain significance. Review status: criteria provided, multiple submitters, no conflicts (2 of 4 stars). 2 submissions from 2 submitters: Uncertain significance (2). Last evaluated 2025-12-28.

Conditions:
Cognitive impairment - coarse facies - heart defects - obesity - pulmonary involvement - short stature - skeletal dysplasia syndrome. Also called: COGNITIVE IMPAIRMENT, COARSE FACIES, HEART DEFECTS, OBESITY, PULMONARY INVOLVEMENT, SHORT STATURE, AND SKELETAL DYSPLASIA; Chops syndrome; AFF4-Related CHOPS Syndrome. Identifiers: Orphanet 444077, MedGen C4085597, MONDO:0014609, OMIM 616368.
AFF4-related disorder. Also called: AFF4-related condition.

Allele frequency attached by ClinVar (database versions not stated): gnomAD exomes 0.00001; ExAC 0.00002; gnomAD 0.00001; TOPMed 0.00003.
gnomAD v4.1: 4 of 1,613,874 alleles (0.00025%); highest among the groups gnomAD compares: Admixed American, 0.0067%; no homozygotes.

Submissions (2):

PreventionGenetics, part of Exact Sciences
Classification: Uncertain significance for AFF4-related condition. Last evaluated: 2025-12-28. Review status: criteria provided, single submitter. Criteria: ACMG Guidelines, 2015. Collection method: clinical testing. Allele origin: germline.
Comment: The AFF4 c.2578T>G variant is predicted to result in the amino acid substitution p.Ser860Ala. To our knowledge, this variant has not been reported in the literature. This variant is reported in 0.0058% of alleles in individuals of Latino descent in gnomAD. At this time, the clinical significance of this variant is uncertain due to the absence of conclusive functional and genetic evidence.

ARUP Laboratories, Molecular Genetics and Genomics, ARUP Laboratories
Classification: Uncertain significance for Cognitive impairment - coarse facies - heart defects - obesity - pulmonary involvement - short stature - skeletal dysplasia syndrome. Last evaluated: 2021-11-11. Review status: criteria provided, single submitter. Criteria: ARUP Molecular Germline Variant Investigation Process 2021. Collection method: clinical testing. Allele origin: germline.

NM_014423.4(AFF4):c.2578T>G (p.Ser860Ala)

Gene: AFF4 (ALF transcription elongation factor 4; minus strand). Cytogenetic location: 5q31.1.
Variant type: single nucleotide variant.
Coding change: c.2578T>G on transcript NM_014423.4 (MANE Select); coding-DNA position 2578, T replaced by G.
Protein change: p.Ser860Ala; replaces serine 860 with alanine.
Molecular consequence: missense variant.
Genome position (GRCh38, 1-based): chr5:132,892,223, A>C on the plus strand (T>G on the coding strand, the complement: AFF4 is on the minus strand). VCF-style: chr5-132892223-A-C. GRCh37 (hg19) VCF-style: chr5-132227915-A-C.
Other names: c.2578T>G (NM_014423.3); short protein forms S860A.
Identifiers: ClinVar variation 1330909 (VCV001330909.8), dbSNP rs752814432, ClinGen allele CA3408897.
Genomic context (GRCh38, chr5:132,892,223, plus strand): 5'-CCTTAACCTCCTTGGAGCTACTGGAAGTCTTCCCTTCGGTCTTCTTCTGCTTTGATGTGG[A>C]GGAACTGTTTTTGCTGCTGCCACTCGTCTCCTTGTTGCTGTTACTGCTTGACTTTAAGGA-3'
Protein context (NP_055238.1, residues 850-870): ETSGSSKNSS[Ser860Ala]TSKQKKTEGK